The following is an entry in ClinVar:

NM_016213.5(TRIP4):c.975G>A (p.Lys325=)

Gene: TRIP4 (thyroid hormone receptor interactor 4; plus strand). Cytogenetic location: 15q22.31.
Variant type: single nucleotide variant.
Coding change: c.975G>A on transcript NM_016213.5 (MANE Select); coding-DNA position 975, G replaced by A.
Protein change: p.Lys325=; no amino-acid change (lysine 325 retained).
Molecular consequence: synonymous variant. On other transcripts: non-coding transcript variant (1).
Genome position (GRCh38, 1-based): chr15:64,409,760, G>A. VCF-style: chr15-64409760-G-A. GRCh37 (hg19) VCF-style: chr15-64701959-G-A.
Other names: p.Lys325=; c.285G>A, p.Lys95= (NM_001321924.2).
Identifiers: ClinVar variation 4684000 (VCV004684000.1).

ClinVar aggregate classification (germline): Likely benign (1 of 4 stars; one submission).

Submission:

Mayo Clinic Laboratories, Mayo Clinic
Classification: Likely benign. Last evaluated: 2025-06-16. Review status: criteria provided, single submitter. Criteria: ACMG Guidelines, 2015. Collection method: clinical testing. Allele origin: germline. Observed: 1 variant allele.
Comment: BP4, BP7